The following is an entry in ClinVar:

NM_000257.4(MYH7):c.3524G>A (p.Arg1175Gln)

Gene: MYH7 (myosin heavy chain 7; minus strand). Cytogenetic location: 14q11.2.
Variant type: single nucleotide variant.
Coding change: c.3524G>A on transcript NM_000257.4 (MANE Select); coding-DNA position 3524, G replaced by A.
Protein change: p.Arg1175Gln; replaces arginine 1175 with glutamine.
Molecular consequence: missense variant.
Genome position (GRCh38, 1-based): chr14:23,420,047, C>T on the plus strand (G>A on the coding strand, the complement: MYH7 is on the minus strand). VCF-style: chr14-23420047-C-T. GRCh37 (hg19) VCF-style: chr14-23889256-C-T.
Other names: c.3524G>A, p.Arg1175Gln (NM_001407004.1); short protein forms R1175Q.
Identifiers: ClinVar variation 2773922 (VCV002773922.4), dbSNP rs776802481, ClinGen allele CA037775.

ClinVar aggregate classification (germline): Uncertain significance. Review status: criteria provided, multiple submitters, no conflicts (2 of 4 stars). 2 submissions from 2 submitters: Uncertain significance (2). Last evaluated 2024-10-16.

Conditions:
Cardiomyopathy (CMYO). Also called: Cardiomyopathies. Identifiers: Orphanet 167848, MedGen C0878544, MONDO:0004994, HP:0001638. Inheritance: Various modes of inheritance.
Hypertrophic cardiomyopathy. Also called: HYPERTROPHIC MYOCARDIOPATHY. Identifiers: Orphanet 217569, MedGen C0007194, MeSH D002312, MONDO:0005045, HP:0001639.

Allele frequency attached by ClinVar (database versions not stated): ExAC 0.00001.

Submissions (2):

Labcorp Genetics (formerly Invitae), Labcorp
Classification: Uncertain significance for Hypertrophic cardiomyopathy. Last evaluated: 2024-10-16. Review status: criteria provided, single submitter. Criteria: Invitae Variant Classification Sherloc (09022015). Collection method: clinical testing. Allele origin: germline.
Comment: This sequence change replaces arginine, which is basic and polar, with glutamine, which is neutral and polar, at codon 1175 of the MYH7 protein (p.Arg1175Gln). This variant is present in population databases (rs776802481, gnomAD 0.003%). This variant has not been reported in the literature in individuals affected with MYH7-related conditions. Invitae Evidence Modeling of protein sequence and biophysical properties (such as structural, functional, and spatial information, amino acid conservation, physicochemical variation, residue mobility, and thermodynamic stability) indicates that this missense variant is expected to disrupt MYH7 protein function with a positive predictive value of 95%. In summary, the available evidence is currently insufficient to determine the role of this variant in disease. Therefore, it has been classified as a Variant of Uncertain Significance.

Color Diagnostics, LLC DBA Color Health
Classification: Uncertain significance for Cardiomyopathy. Last evaluated: 2024-03-06. Review status: criteria provided, single submitter. Criteria: ACMG Guidelines, 2015. Collection method: clinical testing. Allele origin: germline.
Comment: This missense variant replaces arginine with glutamine at codon 1175 of the MYH7 protein. Computational prediction suggests that this variant may have deleterious impact on protein structure and function (internally defined REVEL score threshold >= 0.7, PMID: 27666373). To our knowledge, functional studies have not been reported for this variant. This variant has not been reported in individuals affected with MYH7-related disorders in the literature. This variant has been identified in 1/215604 chromosomes in the general population by the Genome Aggregation Database (gnomAD). The available evidence is insufficient to determine the role of this variant in disease conclusively. Therefore, this variant is classified as a Variant of Uncertain Significance.